The following is an entry in ClinVar:

NM_001164760.2(PRKAR1B):c.1008G>A (p.Ala336=)

Gene: PRKAR1B (protein kinase cAMP-dependent type I regulatory subunit beta; minus strand). Cytogenetic location: 7p22.3.
Variant type: single nucleotide variant.
Coding change: c.1008G>A on transcript NM_001164760.2 (MANE Select); coding-DNA position 1008, G replaced by A.
Protein change: p.Ala336=; no amino-acid change (alanine 336 retained).
Molecular consequence: synonymous variant.
Genome position (GRCh38, 1-based): chr7:550,568, C>T on the plus strand (G>A on the coding strand, the complement: PRKAR1B is on the minus strand). VCF-style: chr7-550568-C-T. GRCh37 (hg19) VCF-style: chr7-590205-C-T.
Other names: p.Ala336=; c.1008G>A, p.Ala336= (NM_001164758.2, NM_001164759.1, NM_001164761.2 and 2 more transcripts).
Identifiers: ClinVar variation 786768 (VCV000786768.9), dbSNP rs370829885, ClinGen allele CA4109836.

ClinVar aggregate classification (germline): Benign/Likely benign. Review status: criteria provided, multiple submitters, no conflicts (2 of 4 stars). 4 submissions from 4 submitters: Benign (2); Likely benign (1). 1 of the submissions does not count toward it. Last evaluated 2026-03-01.

Conditions:
PRKAR1B-related disorder. Also called: PRKAR1B-related condition.

Allele frequency attached by ClinVar (database versions not stated): 1000 Genomes Project 0.00020; 1000 Genomes Project 30x 0.00031; TOPMed 0.00068; ESP Exome Variant Server 0.00086; gnomAD 0.00143 and 0.00153; gnomAD exomes 0.00143 and 0.00158; ExAC 0.00213.
gnomAD v4.1: 2,255 of 1,593,558 alleles (0.14%); highest among the groups gnomAD compares: Non-Finnish European, 0.13%; 6 homozygotes.

Submissions (4):

CeGaT Center for Human Genetics Tuebingen
Classification: Likely benign. Last evaluated: 2026-03-01. Review status: criteria provided, single submitter. Criteria: CeGaT Center For Human Genetics Tuebingen Variant Classification Criteria Version 2. Collection method: clinical testing. Allele origin: germline. Affected: yes. Observed: 1 variant allele.
Comment: PRKAR1B: BP4, BP7

Mayo Clinic Laboratories, Mayo Clinic
Classification: Benign. Last evaluated: 2025-08-26. Review status: criteria provided, single submitter. Criteria: ACMG Guidelines, 2015. Collection method: clinical testing. Allele origin: germline. Observed: 2 variant alleles.
Comment: BA1, BP4, BP7

Labcorp Genetics (formerly Invitae), Labcorp
Classification: Benign. Last evaluated: 2018-05-13. Review status: criteria provided, single submitter. Criteria: Invitae Variant Classification Sherloc (09022015). Collection method: clinical testing. Allele origin: germline.

PreventionGenetics, part of Exact Sciences
Classification: Likely benign for PRKAR1B-related condition. Last evaluated: 2024-05-14. Review status: no assertion criteria provided. Collection method: clinical testing. Allele origin: germline. Not counted in ClinVar's aggregate classification.
Comment: This variant is classified as likely benign based on ACMG/AMP sequence variant interpretation guidelines (Richards et al. 2015 PMID: 25741868, with internal and published modifications).